The following is an entry in ClinVar:

NM_014317.5(PDSS1):c.553G>A (p.Asp185Asn)

Gene: PDSS1 (decaprenyl diphosphate synthase subunit 1; plus strand). Cytogenetic location: 10p12.1.
Variant type: single nucleotide variant.
Coding change: c.553G>A on transcript NM_014317.5 (MANE Select); coding-DNA position 553, G replaced by A.
Protein change: p.Asp185Asn; replaces aspartic acid 185 with asparagine.
Molecular consequence: missense variant.
Genome position (GRCh38, 1-based): chr10:26,720,303, G>A. VCF-style: chr10-26720303-G-A. GRCh37 (hg19) VCF-style: chr10-27009232-G-A.
Other names: c.553G>A, p.Asp185Asn (NM_001321978.2); c.43G>A, p.Asp15Asn (NM_001321979.2); short protein forms D185N, D15N.
Identifiers: ClinVar variation 376967 (VCV000376967.11), dbSNP rs144149122, ClinGen allele CA5446958.

ClinVar aggregate classification (germline): Uncertain significance. Review status: criteria provided, multiple submitters, no conflicts (2 of 4 stars). 4 submissions from 4 submitters: Uncertain significance (4). Last evaluated 2024-03-11.

Conditions:
Deafness-encephaloneuropathy-obesity-valvulopathy syndrome. Identifiers: Orphanet 254898, MedGen C3553354, MONDO:0013837, OMIM 614651.

Allele frequency attached by ClinVar (database versions not stated): TOPMed 0.00002; gnomAD exomes 0.00003 and 0.00007; gnomAD 0.00006 and 0.00007; ExAC 0.00012; ESP Exome Variant Server 0.00015.
gnomAD v4.1: 56 of 1,613,936 alleles (0.0035%); highest among the groups gnomAD compares: South Asian, 0.0077%; no homozygotes.

Submissions (4):

Blueprint Genetics
Classification: Uncertain significance. Last evaluated: 2024-03-11. Review status: criteria provided, single submitter. Criteria: ACMG Guidelines, 2015. Collection method: clinical testing. Allele origin: germline.

Fulgent Genetics
Classification: Uncertain significance for Deafness-encephaloneuropathy-obesity-valvulopathy syndrome. Last evaluated: 2024-02-27. Review status: criteria provided, single submitter. Criteria: ACMG Guidelines, 2015. Collection method: clinical testing. Allele origin: germline.

Labcorp Genetics (formerly Invitae), Labcorp
Classification: Uncertain significance. Last evaluated: 2022-02-19. Review status: criteria provided, single submitter. Criteria: Invitae Variant Classification Sherloc (09022015). Collection method: clinical testing. Allele origin: germline.
Comment: This sequence change replaces aspartic acid, which is acidic and polar, with asparagine, which is neutral and polar, at codon 185 of the PDSS1 protein (p.Asp185Asn). This variant is present in population databases (rs144149122, gnomAD 0.01%). This variant has not been reported in the literature in individuals affected with PDSS1-related conditions. ClinVar contains an entry for this variant (Variation ID: 376967). Algorithms developed to predict the effect of missense changes on protein structure and function are either unavailable or do not agree on the potential impact of this missense change (SIFT: "Not Available"; PolyPhen-2: "Benign"; Align-GVGD: "Not Available"). In summary, the available evidence is currently insufficient to determine the role of this variant in disease. Therefore, it has been classified as a Variant of Uncertain Significance.

Center for Pediatric Genomic Medicine, Children's Mercy Hospital and Clinics
Classification: Uncertain significance. Last evaluated: 2016-07-12. Review status: criteria provided, single submitter. Criteria: ACMG Guidelines, 2015. Collection method: clinical testing. Allele origin: germline.
ClinVar note: Converted during submission from Uncertain Significance to Uncertain significance.